The following is an entry in ClinVar:

NM_000264.5(PTCH1):c.3017T>C (p.Leu1006Pro)

Gene: PTCH1 (patched 1; minus strand). Cytogenetic location: 9q22.32.
Variant type: single nucleotide variant.
Coding change: c.3017T>C on transcript NM_000264.5 (MANE Select); coding-DNA position 3017, T replaced by C.
Protein change: p.Leu1006Pro; replaces leucine 1006 with proline.
Molecular consequence: missense variant. On other transcripts: non-coding transcript variant (1).
Genome position (GRCh38, 1-based): chr9:95,458,164, A>G on the plus strand (T>C on the coding strand, the complement: PTCH1 is on the minus strand). VCF-style: chr9-95458164-A-G. GRCh37 (hg19) VCF-style: chr9-98220446-A-G.
Other names: c.2819T>C, p.Leu940Pro (NM_001083602.3); c.3014T>C, p.Leu1005Pro (NM_001083603.3); c.2564T>C, p.Leu855Pro (NM_001083604.3, NM_001083605.3, NM_001083606.3 and 1 more transcripts); c.2861T>C, p.Leu954Pro (NM_001354918.2); short protein forms L1005P, L1006P, L954P, L940P, L855P.
Identifiers: ClinVar variation 935576 (VCV000935576.10), dbSNP rs1839121774, ClinGen allele CA374112572.
Genomic context (GRCh38, chr9:95,458,164, plus strand): 5'-TGGCGGAGGCCGATGTACTGCTCCCAGAAGAGGAAGGGGTAGCCGTTGGGGTAACTGGAC[A>G]GCCCCAGGCTCGTATAGTTGCTGCAGATGGTCCTTACTTTTTCAATTGCCTCCACAAAGT-3'
Protein context (NP_000255.2, residues 996-1016): TICSNYTSLG[Leu1006Pro]SSYPNGYPFL

ClinVar aggregate classification (germline): Uncertain significance (1 of 4 stars; one submission).

Conditions:
Gorlin syndrome. Also called: Nevoid Basal Cell Carcinoma Syndrome; Basal cell nevus syndrome. Identifiers: Orphanet 377, MedGen C0004779, MONDO:0007187.

Submission:

Labcorp Genetics (formerly Invitae), Labcorp
Classification: Uncertain significance for Gorlin syndrome. Last evaluated: 2024-05-13. Review status: criteria provided, single submitter. Criteria: Invitae Variant Classification Sherloc (09022015). Collection method: clinical testing. Allele origin: germline.
Comment: This sequence change replaces leucine, which is neutral and non-polar, with proline, which is neutral and non-polar, at codon 1006 of the PTCH1 protein (p.Leu1006Pro). This variant is not present in population databases (gnomAD no frequency). This variant has not been reported in the literature in individuals affected with PTCH1-related conditions. ClinVar contains an entry for this variant (Variation ID: 935576). Advanced modeling of protein sequence and biophysical properties (such as structural, functional, and spatial information, amino acid conservation, physicochemical variation, residue mobility, and thermodynamic stability) performed at Invitae indicates that this missense variant is not expected to disrupt PTCH1 protein function with a negative predictive value of 95%. In summary, the available evidence is currently insufficient to determine the role of this variant in disease. Therefore, it has been classified as a Variant of Uncertain Significance.